The following is an entry in ClinVar:

ClinVar aggregate classification (germline): Conflicting classifications of pathogenicity. Review status: criteria provided, conflicting classifications (1 of 4 stars). 8 submissions from 7 submitters: Uncertain significance (4); Benign (2); Likely benign (1). 1 of the submissions does not count toward it. Last evaluated 2025-04-23.

Conditions:
Autosomal dominant nonsyndromic hearing loss 12. Also called: DEAFNESS, AUTOSOMAL DOMINANT 8. Identifiers: Orphanet 90635, MedGen C1832187, MONDO:0011102, OMIM 601543.
Autosomal recessive nonsyndromic hearing loss 21. Identifiers: Orphanet 90636, MedGen C1863655, MONDO:0011351, OMIM 603629.
TECTA-related disorder. Also called: TECTA-related condition.

Allele frequency attached by ClinVar (database versions not stated): gnomAD exomes 0.00012 and 0.00032; gnomAD 0.00014; ESP Exome Variant Server 0.00015; 1000 Genomes Project 30x 0.00016; TOPMed 0.00016; 1000 Genomes Project 0.00020; ExAC 0.00027.
gnomAD v4.1: 220 of 1,614,152 alleles (0.014%); highest among the groups gnomAD compares: East Asian, 0.022%; 1 homozygote.

Submissions (8):

Labcorp Genetics (formerly Invitae), Labcorp
Classification: Benign. Last evaluated: 2025-04-23. Review status: criteria provided, single submitter. Criteria: Invitae Variant Classification Sherloc (09022015). Collection method: clinical testing. Allele origin: germline.

Blueprint Genetics
Classification: Likely benign. Last evaluated: 2024-10-28. Review status: criteria provided, single submitter. Criteria: ACMG Guidelines, 2015. Collection method: clinical testing. Allele origin: germline.

Daryl Scott Lab, Baylor College of Medicine
Classification: Uncertain significance for TECTA-related disorder. Last evaluated: 2024-01-01. Review status: criteria provided, single submitter. Criteria: ACMG Guidelines, 2015. Collection method: clinical testing. Allele origin: maternal. Observed: 1 heterozygote.
Comment: PP3

GeneDx
Classification: Uncertain significance. Last evaluated: 2023-11-14. Review status: criteria provided, single submitter. Criteria: GeneDx Variant Classification Process June 2021. Collection method: clinical testing. Allele origin: germline. Affected: yes.
Comment: In silico analysis supports that this missense variant does not alter protein structure/function; Located in the von Willebrand factor type D region of the zonadhesin domain (PMID: 21520338); Has not been previously published as pathogenic or benign to our knowledge; This variant is associated with the following publications: (PMID: 21520338, 31554319, 9590290, 22980975)

Illumina Laboratory Services, Illumina
Classification: Uncertain significance for Autosomal recessive nonsyndromic hearing loss 21. Last evaluated: 2018-01-13. Review status: criteria provided, single submitter. Criteria: ICSL Variant Classification Criteria 13 December 2019. Collection method: clinical testing. Allele origin: germline.

Illumina Laboratory Services, Illumina
Classification: Uncertain significance for Autosomal dominant nonsyndromic hearing loss 12. Last evaluated: 2018-01-13. Review status: criteria provided, single submitter. Criteria: ICSL Variant Classification Criteria 13 December 2019. Collection method: clinical testing. Allele origin: germline.

Laboratory for Molecular Medicine, Mass General Brigham Personalized Medicine
Classification: Benign. Last evaluated: 2017-07-05. Review status: criteria provided, single submitter. Criteria: LMM Criteria. Collection method: clinical testing. Allele origin: germline. Observed: 2 variant alleles.
Comment: p.Val1605Ile in exon 14 of TECTA: This variant is not expected to have clinical significance due to a lack of conservation across species, including mammals. Of note, 3 mammals have an isoleucine (Ile) at this position despite high nearby a mino acid conservation. In addition, computational prediction tools do not sugge st a high likelihood of impact to the protein. It has been identified in 0.6% (5 8/10152) of Ashkenazi Jewish chromosomes by the genome Aggregation Database (gno mAD; dbSNP rs201952240).

PreventionGenetics, part of Exact Sciences
Classification: Likely benign for TECTA-related condition. Last evaluated: 2020-07-27. Review status: no assertion criteria provided. Collection method: clinical testing. Allele origin: germline. Not counted in ClinVar's aggregate classification.
Comment: This variant is classified as likely benign based on ACMG/AMP sequence variant interpretation guidelines (Richards et al. 2015 PMID: 25741868, with internal and published modifications).

Literature cited by the submitters: PubMed 22980975 (cited by Laboratory for Molecular Medicine, Mass General Brigham Personalized Medicine).

NM_005422.4(TECTA):c.4813G>A (p.Val1605Ile)

Genes: TBCEL-TECTA (TBCEL-TECTA readthrough; plus strand), TECTA (tectorin alpha; plus strand). Cytogenetic location: 11q23.3.
Variant type: single nucleotide variant.
Coding change: c.4813G>A on transcript NM_005422.4 (MANE Select); coding-DNA position 4813, G replaced by A.
Protein change: p.Val1605Ile; replaces valine 1605 with isoleucine.
Molecular consequence: missense variant.
Genome position (GRCh38, 1-based): chr11:121,160,258, G>A. VCF-style: chr11-121160258-G-A. GRCh37 (hg19) VCF-style: chr11-121030967-G-A.
Other names: c.5770G>A, p.Val1924Ile (NM_001378761.1); short protein forms V1605I, V1924I.
Identifiers: ClinVar variation 228000 (VCV000228000.16), dbSNP rs201952240, ClinGen allele CA6327572.
Genomic context (GRCh38, chr11:121,160,258, plus strand): 5'-GAGGGGTTTCTGGTGATTGACACCAGCCCAGACATCCAGATATACTACAATGGTTTCAAC[G>A]TCATTAAAATCAGCATCAGCGAGAGGCTGCAGAACAAAGTGTGCGGTCTCTGTGGCAACT-3'
Protein context (NP_005413.2, residues 1595-1615): DIQIYYNGFN[Val1605Ile]IKISISERLQ